The following is an entry in ClinVar:

ClinVar aggregate classification (germline): Likely benign. Review status: criteria provided, multiple submitters, no conflicts (2 of 4 stars). 2 submissions from 2 submitters: Likely benign (2). Last evaluated 2018-06-16.

Allele frequency attached by ClinVar (database versions not stated): gnomAD exomes 0.00419; ExAC 0.00515; gnomAD 0.01385 and 0.01471; 1000 Genomes Project 0.01478; 1000 Genomes Project 30x 0.01546; TOPMed 0.01567; ESP Exome Variant Server 0.01662.

Submissions (2):

GeneDx
Classification: Likely benign. Last evaluated: 2018-06-16. Review status: criteria provided, single submitter. Criteria: GeneDx Variant Classification (06012015). Collection method: clinical testing. Allele origin: germline. Affected: yes.
Comment: This variant is considered likely benign or benign based on one or more of the following criteria: it is a conservative change, it occurs at a poorly conserved position in the protein, it is predicted to be benign by multiple in silico algorithms, and/or has population frequency not consistent with disease.

Breakthrough Genomics
Classification: Likely benign. Review status: criteria provided, single submitter. Criteria: ACMG Guidelines, 2015. Collection method: not provided. Allele origin: germline. Inheritance: Autosomal recessive inheritance. Affected: yes.

NM_004320.6(ATP2A1):c.1288-30G>A

Gene: ATP2A1 (ATPase sarcoplasmic/endoplasmic reticulum Ca2+ transporting 1; plus strand). Cytogenetic location: 16p11.2.
Variant type: single nucleotide variant.
Coding change: c.1288-30G>A on transcript NM_004320.6 (MANE Select); 30 bases into the intron before coding-DNA position 1288, G replaced by A.
Molecular consequence: intron variant.
Genome position (GRCh38, 1-based): chr16:28,894,792, G>A. VCF-style: chr16-28894792-G-A. GRCh37 (hg19) VCF-style: chr16-28906113-G-A.
Other names: c.1288-30G>A (NM_173201.5); c.913-30G>A (NM_001286075.2).
Identifiers: ClinVar variation 679003 (VCV000679003.2), dbSNP rs41292390, ClinGen allele CA7986919.